The following is an entry in ClinVar:

ClinVar aggregate classification (germline): Uncertain significance (1 of 4 stars; one submission).

Conditions:
Ehlers-Danlos syndrome, classic type, 1 (EDSCL1). Also called: EHLERS-DANLOS SYNDROME, GRAVIS TYPE; EHLERS-DANLOS SYNDROME, SEVERE CLASSIC TYPE; Ehlers-Danlos syndrome, type 1; Ehlers-Danlos Syndrome, Classic Type, COL5A1-Related; EDS I. Identifiers: MedGen C0268335, MONDO:0019567, OMIM 130000.

Submission:

Labcorp Genetics (formerly Invitae), Labcorp
Classification: Uncertain significance for Ehlers-Danlos syndrome, classic type, 1. Last evaluated: 2025-12-03. Review status: criteria provided, single submitter. Criteria: Invitae Variant Classification Sherloc (09022015). Collection method: clinical testing. Allele origin: germline.
Comment: This sequence change replaces arginine, which is basic and polar, with lysine, which is basic and polar, at codon 641 of the COL5A2 protein (p.Arg641Lys). This variant is not present in population databases (gnomAD no frequency). This variant has not been reported in the literature in individuals affected with COL5A2-related conditions. An algorithm developed to predict the effect of missense changes on protein structure and function (PolyPhen-2) suggests that this variant is likely to be tolerated. In summary, the available evidence is currently insufficient to determine the role of this variant in disease. Therefore, it has been classified as a Variant of Uncertain Significance.

NM_000393.5(COL5A2):c.1922G>A (p.Arg641Lys)

Gene: COL5A2 (collagen type V alpha 2 chain; minus strand). Cytogenetic location: 2q32.2.
Variant type: single nucleotide variant.
Coding change: c.1922G>A on transcript NM_000393.5 (MANE Select); coding-DNA position 1922, G replaced by A.
Protein change: p.Arg641Lys; replaces arginine 641 with lysine.
Molecular consequence: missense variant.
Genome position (GRCh38, 1-based): chr2:189,063,011, C>T on the plus strand (G>A on the coding strand, the complement: COL5A2 is on the minus strand). VCF-style: chr2-189063011-C-T. GRCh37 (hg19) VCF-style: chr2-189927737-C-T.
Other names: short protein forms R641K.
Identifiers: ClinVar variation 4762251 (VCV004762251.1).